The following is an entry in ClinVar:

ClinVar aggregate classification (germline): Uncertain significance. Review status: criteria provided, multiple submitters, no conflicts (2 of 4 stars). 2 submissions from 2 submitters: Uncertain significance (2). Last evaluated 2025-12-03.

Conditions:
Hereditary cancer-predisposing syndrome. Also called: Neoplastic Syndromes, Hereditary; Hereditary Cancer Syndrome; Tumor predisposition; Hereditary neoplastic syndrome. Identifiers: Orphanet 140162, MedGen C0027672, MeSH D009386, MONDO:0015356.

Submissions (2):

Ambry Genetics
Classification: Uncertain significance for Hereditary cancer-predisposing syndrome. Last evaluated: 2025-12-03. Review status: criteria provided, single submitter. Criteria: Ambry Variant Classification Scheme 2023. Collection method: clinical testing. Allele origin: germline.
Comment: The p.V722I variant (also known as c.2164G>A), located in coding exon 15 of the MSH3 gene, results from a G to A substitution at nucleotide position 2164. The valine at codon 722 is replaced by isoleucine, an amino acid with highly similar properties. This amino acid position is conserved. In addition, this alteration is predicted to be tolerated by in silico analysis. Based on the available evidence, the clinical significance of this variant remains unclear.

Labcorp Genetics (formerly Invitae), Labcorp
Classification: Uncertain significance. Last evaluated: 2025-04-28. Review status: criteria provided, single submitter. Criteria: Invitae Variant Classification Sherloc (09022015). Collection method: clinical testing. Allele origin: germline.
Comment: This sequence change replaces valine, which is neutral and non-polar, with isoleucine, which is neutral and non-polar, at codon 722 of the MSH3 protein (p.Val722Ile). This variant is not present in population databases (gnomAD no frequency). This variant has not been reported in the literature in individuals affected with MSH3-related conditions. ClinVar contains an entry for this variant (Variation ID: 969128). An algorithm developed to predict the effect of missense changes on protein structure and function outputs the following: PolyPhen-2: "Benign". The isoleucine amino acid residue is found in multiple mammalian species, which suggests that this missense change does not adversely affect protein function. In summary, the available evidence is currently insufficient to determine the role of this variant in disease. Therefore, it has been classified as a Variant of Uncertain Significance.

NM_002439.5(MSH3):c.2164G>A (p.Val722Ile)

Gene: MSH3 (mutS homolog 3; plus strand). Cytogenetic location: 5q14.1.
Variant type: single nucleotide variant.
Coding change: c.2164G>A on transcript NM_002439.5 (MANE Select); coding-DNA position 2164, G replaced by A.
Protein change: p.Val722Ile; replaces valine 722 with isoleucine.
Molecular consequence: missense variant.
Genome position (GRCh38, 1-based): chr5:80,768,914, G>A. VCF-style: chr5-80768914-G-A. GRCh37 (hg19) VCF-style: chr5-80064733-G-A.
Other names: c.2164G>A (NM_002439.3); short protein forms V722I.
Identifiers: ClinVar variation 969128 (VCV000969128.10), dbSNP rs766237486, ClinGen allele CA360279466.